The following is an entry in ClinVar:

ClinVar aggregate classification (germline): Benign. Review status: criteria provided, multiple submitters, no conflicts (2 of 4 stars). 2 submissions from 2 submitters: Benign (2). Last evaluated 2018-06-18.

Allele frequency attached by ClinVar (database versions not stated): gnomAD 0.21919 and 0.22259; 1000 Genomes Project 30x 0.22033; 1000 Genomes Project 0.22145; TOPMed 0.22711.
gnomAD v4.1: 157,355 of 736,242 alleles (21%); highest among the groups gnomAD compares: East Asian, 40%; 18,278 homozygotes.

Submissions (2):

GeneDx
Classification: Benign. Last evaluated: 2018-06-18. Review status: criteria provided, single submitter. Criteria: GeneDx Variant Classification (06012015). Collection method: clinical testing. Allele origin: germline. Affected: yes.
Comment: This variant is considered likely benign or benign based on one or more of the following criteria: it is a conservative change, it occurs at a poorly conserved position in the protein, it is predicted to be benign by multiple in silico algorithms, and/or has population frequency not consistent with disease.

Breakthrough Genomics
Classification: Benign. Review status: criteria provided, single submitter. Criteria: ACMG Guidelines, 2015. Collection method: not provided. Allele origin: germline. Inheritance: Autosomal dominant inheritance. Affected: yes.

NM_001035.3(RYR2):c.274-128T>A

Gene: RYR2 (ryanodine receptor 2; plus strand). Cytogenetic location: 1q43.
Variant type: single nucleotide variant.
Coding change: c.274-128T>A on transcript NM_001035.3 (MANE Select); 128 bases into the intron before coding-DNA position 274, T replaced by A.
Molecular consequence: intron variant.
Genome position (GRCh38, 1-based): chr1:237,355,837, T>A. VCF-style: chr1-237355837-T-A. GRCh37 (hg19) VCF-style: chr1-237519137-T-A.
Identifiers: ClinVar variation 671021 (VCV000671021.2), dbSNP rs10802608, ClinGen allele CA40009738.